The following is an entry in ClinVar:

ClinVar aggregate classification (germline): Likely pathogenic (1 of 4 stars; one submission).

Conditions:
Neurodevelopmental disorder. Identifiers: MedGen C1535926, MeSH D065886, MONDO:0700092.

Submission:

Victorian Clinical Genetics Services, Murdoch Childrens Research Institute
Classification: Likely pathogenic for Neurodevelopmental disorder. Last evaluated: 2025-10-20. Review status: criteria provided, single submitter. Criteria: ACMG Guidelines, 2015. Collection method: clinical testing. Allele origin: germline.
Comment: This variant is classified as Likely pathogenic. Evidence in support of pathogenic classification: Variant is absent from gnomAD (v2, v3 and v4); Additional information: Variant is predicted to result in a missense amino acid change from glutamic acid to lysine; This variant is heterozygous; This gene is associated with both recessive and dominant disease. Biallelic pathogenic variants are associated with a more severe, syndromic intellectual disability (PMID: 29276005; DECIPHER). Heterozygous variants have also been reported in association with autosomal dominant intellectual developmental disorder; however, these variants are also frequently observed in apparently unaffected individuals (PMIDs: 29276005, 30217758, 30409806); This variant has no previous evidence of pathogenicity; No published segregation evidence has been identified for this variant; No published functional evidence has been identified for this variant; No comparable missense variants have previous evidence for pathogenicity; Variant is not located in an established domain, motif, hotspot or informative constraint region; Missense variant with conflicting in silico predictions and uninformative conservation; Loss of function is a known mechanism of disease in this gene and is associated with autosomal recessive intellectual disability 65 (MIM#618109) and autosomal dominant neurodevelopmental disorder (MONDO:0700092), KDM5B-related; The condition associated with this gene has incomplete penetrance. While the recessive condition is fully penetrant, incomplete penetrance has been suggested for the autosomal dominant condition, where unaffected carriers of loss of function variants have been reported (PMID: 30217758, 30409806); Variants in this gene are known to have variable expressivity (PMID: 39202393).

Literature cited by the submitters: PubMed 30409806; PubMed 29276005; PubMed 30217758; PubMed 39202393.

NM_006618.5(KDM5B):c.280G>A (p.Glu94Lys)

Gene: KDM5B (lysine demethylase 5B; minus strand). Cytogenetic location: 1q32.1.
Variant type: single nucleotide variant.
Coding change: c.280G>A on transcript NM_006618.5 (MANE Select); coding-DNA position 280, G replaced by A.
Protein change: p.Glu94Lys; replaces glutamic acid 94 with lysine.
Molecular consequence: missense variant.
Genome position (GRCh38, 1-based): chr1:202,777,019, C>T on the plus strand (G>A on the coding strand, the complement: KDM5B is on the minus strand). VCF-style: chr1-202777019-C-T. GRCh37 (hg19) VCF-style: chr1-202746147-C-T.
Other names: c.280G>A, p.Glu94Lys (NM_001314042.2, NM_001347591.2); c.265G>A, p.Glu89Lys (NM_001399817.1); short protein forms E89K, E94K.
Identifiers: ClinVar variation 3376849 (VCV003376849.2).